The following is an entry in ClinVar:

ClinVar aggregate classification (germline): Uncertain significance (1 of 4 stars; one submission).

Conditions:
Axenfeld-Rieger syndrome type 3 (RIEG3). Also called: AXENFELD-RIEGER ANOMALY WITH CARDIAC DEFECTS AND/OR SENSORINEURAL HEARING LOSS. Identifiers: Orphanet 782, MedGen C2678503, MONDO:0011233, OMIM 602482.

Submission:

Labcorp Genetics (formerly Invitae), Labcorp
Classification: Uncertain significance for Axenfeld-Rieger syndrome type 3. Last evaluated: 2022-11-01. Review status: criteria provided, single submitter. Criteria: Invitae Variant Classification Sherloc (09022015). Collection method: clinical testing. Allele origin: germline.
Comment: This variant is not present in population databases (gnomAD no frequency). This sequence change replaces proline, which is neutral and non-polar, with arginine, which is basic and polar, at codon 41 of the FOXC1 protein (p.Pro41Arg). This variant has not been reported in the literature in individuals affected with FOXC1-related conditions. Algorithms developed to predict the effect of missense changes on protein structure and function are either unavailable or do not agree on the potential impact of this missense change (SIFT: "Deleterious"; PolyPhen-2: "Benign"; Align-GVGD: "Class C65"). In summary, the available evidence is currently insufficient to determine the role of this variant in disease. Therefore, it has been classified as a Variant of Uncertain Significance.

NM_001453.3(FOXC1):c.122C>G (p.Pro41Arg)

Gene: FOXC1 (forkhead box C1; plus strand). Cytogenetic location: 6p25.3.
Variant type: single nucleotide variant.
Coding change: c.122C>G on transcript NM_001453.3 (MANE Select); coding-DNA position 122, C replaced by G.
Protein change: p.Pro41Arg; replaces proline 41 with arginine.
Molecular consequence: missense variant.
Genome position (GRCh38, 1-based): chr6:1,610,567, C>G. VCF-style: chr6-1610567-C-G. GRCh37 (hg19) VCF-style: chr6-1610802-C-G.
Other names: short protein forms P41R.
Identifiers: ClinVar variation 2024317 (VCV002024317.4), dbSNP rs1762517349, ClinGen allele CA362558123.